The following is an entry in ClinVar:

NM_001378452.1(ITPR1):c.6180+13C>T

Gene: ITPR1 (inositol 1,4,5-trisphosphate receptor type 1; plus strand). Cytogenetic location: 3p26.1.
Variant type: single nucleotide variant.
Coding change: c.6180+13C>T on transcript NM_001378452.1 (MANE Select); 13 bases into the intron after coding-DNA position 6180, C replaced by T.
Molecular consequence: intron variant.
Genome position (GRCh38, 1-based): chr3:4,775,455, C>T. VCF-style: chr3-4775455-C-T. GRCh37 (hg19) VCF-style: chr3-4817139-C-T.
Other names: c.6036+13C>T (NM_001099952.4); c.6135+13C>T (NM_001168272.2); c.5991+13C>T (NM_002222.7).
Identifiers: ClinVar variation 2682395 (VCV002682395.1), dbSNP rs749012415, ClinGen allele CA2232516.

ClinVar aggregate classification (germline): Likely benign (1 of 4 stars; one submission).

Allele frequency attached by ClinVar (database versions not stated): ExAC 0.00001; gnomAD 0.00001; gnomAD exomes 0.00001; TOPMed 0.00001.
gnomAD v4.1: 5 of 1,598,726 alleles (0.00031%); highest among the groups gnomAD compares: Admixed American, 0.0034%; no homozygotes.

Submission:

Women's Health and Genetics/Laboratory Corporation of America, LabCorp
Classification: Likely benign. Last evaluated: 2023-11-08. Review status: criteria provided, single submitter. Criteria: LabCorp Variant Classification Summary - May 2015. Collection method: clinical testing. Allele origin: germline.
Comment: Variant summary: ITPR1 c.5991+13C>T alters a non-conserved nucleotide located at a position not widely known to affect splicing. Consensus agreement among computation tools predict no significant impact on normal splicing. However, these predictions have yet to be confirmed by functional studies. The variant allele was found at a frequency of 4.1e-06 in 244050 control chromosomes. The available data on variant occurrences in the general population are insufficient to allow any conclusion about variant significance. To our knowledge, no occurrence of c.5991+13C>T in individuals affected with Spinocerebellar Ataxia 29 and no experimental evidence demonstrating its impact on protein function have been reported. No submitters have cited clinical-significance assessments for this variant to ClinVar after 2014. Based on the evidence outlined above, the variant was classified as likely benign.